The following is an entry in ClinVar:

ClinVar aggregate classification (germline): Benign (1 of 4 stars; one submission).

Conditions:
Familial cancer of breast. Also called: hereditary breast carcinoma; BREAST CANCER, FAMILIAL; Hereditary breast cancer. Identifiers: Orphanet 227535, MedGen C0346153, MONDO:0016419, OMIM 114480. Disease mechanism: loss of function.

Submission:

Myriad Genetics, Inc.
Classification: Benign for Familial cancer of breast. Last evaluated: 2024-06-17. Review status: criteria provided, single submitter. Criteria: Myriad Autosomal Dominant, Autosomal Recessive and X-Linked Classification Criteria (2023). Collection method: clinical testing. Allele origin: unknown.
Comment: This variant is considered benign. This variant is a silent/synonymous amino acid change and it is not expected to impact splicing.

NM_000051.4(ATM):c.7803T>C (p.Ala2601=)

Genes: ATM (ATM serine/threonine kinase; plus strand), C11orf65 (chromosome 11 open reading frame 65; minus strand). Cytogenetic location: 11q22.3.
Variant type: single nucleotide variant.
Coding change: c.7803T>C on transcript NM_000051.4 (MANE Select); coding-DNA position 7803, T replaced by C.
Protein change: p.Ala2601=; no amino-acid change (alanine 2601 retained).
Molecular consequence: synonymous variant. On other transcripts: intron variant (2).
Genome position (GRCh38, 1-based): chr11:108,332,776, T>C. VCF-style: chr11-108332776-T-C. GRCh37 (hg19) VCF-style: chr11-108203503-T-C.
Other names: c.7803T>C, p.Ala2601= (NM_001351834.2); c.641-23705A>G (NM_001330368.2); c.*38+2444A>G (NM_001351110.2).
Identifiers: ClinVar variation 3254451 (VCV003254451.1), dbSNP rs2136561705.